The following is an entry in ClinVar:

NM_001873.4(CPE):c.565C>T (p.Arg189Trp)

Gene: CPE (carboxypeptidase E; plus strand). Cytogenetic location: 4q32.3.
Variant type: single nucleotide variant.
Coding change: c.565C>T on transcript NM_001873.4 (MANE Select); coding-DNA position 565, C replaced by T.
Protein change: p.Arg189Trp; replaces arginine 189 with tryptophan.
Molecular consequence: missense variant.
Genome position (GRCh38, 1-based): chr4:165,467,748, C>T. VCF-style: chr4-165467748-C-T. GRCh37 (hg19) VCF-style: chr4-166388900-C-T.
Other names: short protein forms R189W.
Identifiers: ClinVar variation 3054567 (VCV003054567.3), dbSNP rs144727363, ClinGen allele CA3130208.

ClinVar aggregate classification (germline): Uncertain significance. Review status: criteria provided, single submitter (1 of 4 stars). 2 submissions from 2 submitters: Uncertain significance (1). 1 of the submissions does not count toward it. Last evaluated 2022-09-15.

Conditions:
CPE-related disorder. Also called: CPE-related condition.

Allele frequency attached by ClinVar (database versions not stated): gnomAD exomes 0.00002; ExAC 0.00003; TOPMed 0.00004; gnomAD 0.00005; ESP Exome Variant Server 0.00015; 1000 Genomes Project 30x 0.00016; 1000 Genomes Project 0.00020.
gnomAD v4.1: 30 of 1,613,176 alleles (0.0019%); highest among the groups gnomAD compares: African/African-American, 0.0027%; no homozygotes.

Submissions (2):

Blueprint Genetics
Classification: Uncertain significance. Last evaluated: 2022-09-15. Review status: criteria provided, single submitter. Criteria: ACMG Guidelines, 2015. Collection method: clinical testing. Allele origin: germline.

PreventionGenetics, part of Exact Sciences
Classification: Uncertain significance for CPE-related condition. Last evaluated: 2024-05-24. Review status: no assertion criteria provided. Collection method: clinical testing. Allele origin: germline. Not counted in ClinVar's aggregate classification.
Comment: The CPE c.565C>T variant is predicted to result in the amino acid substitution p.Arg189Trp. To our knowledge, this variant has not been reported in the literature. This variant is reported in 0.0050% of alleles in individuals of East Asian descent in gnomAD. At this time, the clinical significance of this variant is uncertain due to the absence of conclusive functional and genetic evidence.